The following is an entry in ClinVar:

ClinVar aggregate classification (germline): Uncertain significance. Review status: criteria provided, multiple submitters, no conflicts (2 of 4 stars). 2 submissions from 2 submitters: Uncertain significance (2). Last evaluated 2025-08-03.

Conditions:
Inborn genetic diseases. Identifiers: MedGen C0950123, MeSH D030342.

Allele frequency attached by ClinVar (database versions not stated): TOPMed 0.00001.
gnomAD v4.1: 5 of 1,613,870 alleles (0.00031%); highest among the groups gnomAD compares: East Asian, 0.0045%; no homozygotes.

Submissions (2):

Ambry Genetics
Classification: Uncertain significance for Inborn genetic diseases. Last evaluated: 2025-08-03. Review status: criteria provided, single submitter. Criteria: Ambry Variant Classification Scheme 2023. Collection method: clinical testing. Allele origin: germline.

CeGaT Center for Human Genetics Tuebingen
Classification: Uncertain significance. Last evaluated: 2023-09-01. Review status: criteria provided, single submitter. Criteria: CeGaT Center For Human Genetics Tuebingen Variant Classification Criteria Version 2. Collection method: clinical testing. Allele origin: germline. Affected: yes. Observed: 1 variant allele.
Comment: DPY19L2: PM2

NM_173812.5(DPY19L2):c.67C>T (p.Arg23Cys)

Gene: DPY19L2 (dpy-19 like 2; minus strand). Cytogenetic location: 12q14.2.
Variant type: single nucleotide variant.
Coding change: c.67C>T on transcript NM_173812.5 (MANE Select); coding-DNA position 67, C replaced by T.
Protein change: p.Arg23Cys; replaces arginine 23 with cysteine.
Molecular consequence: missense variant.
Genome position (GRCh38, 1-based): chr12:63,668,327, G>A on the plus strand (C>T on the coding strand, the complement: DPY19L2 is on the minus strand). VCF-style: chr12-63668327-G-A. GRCh37 (hg19) VCF-style: chr12-64062107-G-A.
Other names: c.67C>T (NM_173812.4); short protein forms R23C.
Identifiers: ClinVar variation 2582906 (VCV002582906.26), dbSNP rs750122641, ClinGen allele CA238190195.